The following is an entry in ClinVar:

ClinVar aggregate classification (germline): Uncertain significance (1 of 4 stars; one submission).

Conditions:
Fanconi anemia complementation group O. Also called: RAD51C-Related Fanconi Anemia. Identifiers: Orphanet 84, MedGen C3150653, MONDO:0013248, OMIM 613390.

Submission:

Labcorp Genetics (formerly Invitae), Labcorp
Classification: Uncertain significance for Fanconi anemia complementation group O. Last evaluated: 2022-08-09. Review status: criteria provided, single submitter. Criteria: Invitae Variant Classification Sherloc (09022015). Collection method: clinical testing. Allele origin: germline.
Comment: In summary, the available evidence is currently insufficient to determine the role of this variant in disease. Therefore, it has been classified as a Variant of Uncertain Significance. This variant is not present in population databases (gnomAD no frequency). Algorithms developed to predict the effect of sequence changes on RNA splicing suggest that this variant may create or strengthen a splice site. Advanced modeling of protein sequence and biophysical properties (such as structural, functional, and spatial information, amino acid conservation, physicochemical variation, residue mobility, and thermodynamic stability) performed at Invitae indicates that this missense variant is expected to disrupt RAD51C protein function. ClinVar contains an entry for this variant (Variation ID: 1009535). This variant has not been reported in the literature in individuals affected with RAD51C-related conditions. This sequence change replaces isoleucine, which is neutral and non-polar, with serine, which is neutral and polar, at codon 208 of the RAD51C protein (p.Ile208Ser).

NM_058216.3(RAD51C):c.623T>G (p.Ile208Ser)

Genes: RAD51C (RAD51 paralog C; plus strand), LOC129390903 (MPRA-validated peak2919 silencer; plus strand). Cytogenetic location: 17q22.
Variant type: single nucleotide variant.
Coding change: c.623T>G on transcript NM_058216.3 (MANE Select); coding-DNA position 623, T replaced by G.
Protein change: p.Ile208Ser; replaces isoleucine 208 with serine.
Molecular consequence: missense variant. On other transcripts: non-coding transcript variant (1).
Genome position (GRCh38, 1-based): chr17:58,703,247, T>G. VCF-style: chr17-58703247-T-G. GRCh37 (hg19) VCF-style: chr17-56780608-T-G.
Other names: short protein forms I208S.
Identifiers: ClinVar variation 1009535 (VCV001009535.9), dbSNP rs1598473279, ClinGen allele CA400349417.
Genomic context (GRCh38, chr17:58,703,247, plus strand): 5'-TTGTTTCAGAACACCGAAAAGCTTTGGAGGATTTCACTCTTGATAATATTCTTTCTCATA[T>G]TTATTATTTTCGCTGTCGTGACTACACAGAGTTACTGGCACAAGTTTATCTTCTTCCAGA-3'
Protein context (NP_478123.1, residues 198-218): DFTLDNILSH[Ile208Ser]YYFRCRDYTE